The following is an entry in ClinVar:

NM_013447.4(ADGRE2):c.347C>A (p.Thr116Lys)

Gene: ADGRE2 (adhesion G protein-coupled receptor E2; minus strand). Cytogenetic location: 19p13.12.
Variant type: single nucleotide variant.
Coding change: c.347C>A on transcript NM_013447.4 (MANE Select); coding-DNA position 347, C replaced by A.
Protein change: p.Thr116Lys; replaces threonine 116 with lysine.
Molecular consequence: missense variant.
Genome position (GRCh38, 1-based): chr19:14,772,350, G>T on the plus strand (C>A on the coding strand, the complement: ADGRE2 is on the minus strand). VCF-style: chr19-14772350-G-T. GRCh37 (hg19) VCF-style: chr19-14883162-G-T.
Other names: c.347C>A, p.Thr116Lys (NM_001271052.1, NM_152916.2, NM_152917.2); short protein forms T116K.
Identifiers: ClinVar variation 2016613 (VCV002016613.4), dbSNP rs750214500, ClinGen allele CA404463442.

ClinVar aggregate classification (germline): Uncertain significance (1 of 4 stars; one submission).

Submission:

Labcorp Genetics (formerly Invitae), Labcorp
Classification: Uncertain significance. Last evaluated: 2024-02-20. Review status: criteria provided, single submitter. Criteria: Invitae Variant Classification Sherloc (09022015). Collection method: clinical testing. Allele origin: germline.
Comment: This sequence change replaces threonine, which is neutral and polar, with lysine, which is basic and polar, at codon 116 of the ADGRE2 protein (p.Thr116Lys). This variant is present in population databases (no rsID available, gnomAD 0.003%). This variant has not been reported in the literature in individuals affected with ADGRE2-related conditions. ClinVar contains an entry for this variant (Variation ID: 2016613). Algorithms developed to predict the effect of missense changes on protein structure and function output the following: SIFT: "Not Available"; PolyPhen-2: "Possibly Damaging"; Align-GVGD: "Not Available". The lysine amino acid residue is found in multiple mammalian species, which suggests that this missense change does not adversely affect protein function. In summary, the available evidence is currently insufficient to determine the role of this variant in disease. Therefore, it has been classified as a Variant of Uncertain Significance.